The following is an entry in ClinVar:

NM_134261.3(RORA):c.1571_*29del (p.Ter524SerextTer?)

Genes: RORA (RAR related orphan receptor A; minus strand), RORA-AS1 (RORA antisense RNA 1; plus strand). Cytogenetic location: 15q22.2.
Variant type: Deletion.
Coding change: c.1571_*29del on transcript NM_134261.3 (MANE Select); coding-DNA position 1571 through 29 bases downstream of the stop codon, 31 bases deleted.
Protein change: p.Ter524SerextTer?.
Molecular consequence: frameshift variant, stop lost.
Genome position (GRCh38, 1-based): chr15:60,497,426-60,497,456, 31 bases deleted; deleting any 31 consecutive bases within chr15:60,497,426-60,497,458 gives the same sequence; the c. name uses the placement nearest the transcript's 3' end. GRCh37 (hg19): chr15:60,789,627-60,789,657.
Other names: c.1646_*29del, p.Ter549SerextTer? (NM_002943.4); c.1670_*29del, p.Ter557SerextTer? (NM_134260.3); c.1406_*29del, p.Ter469SerextTer? (NM_134262.3).
Identifiers: ClinVar variation 1804298 (VCV001804298.2), dbSNP rs2065195777, ClinGen allele CA970474615.
Genomic context (GRCh38, chr15:60,497,425, plus strand): 5'-GCAGGGCCATATAAAGTGTCTCGGTTAATTTTTTTGTTTGTTTTTCATGTTTGTACTTCA[GACATTCTAGAAGTGCTTAGGTGATAACATTT>G]ACCCATCAATTTGCATTGCTGGCTCAAATTCTGAAGTGAACAACTCCTTGTATAATGGAG-3'

ClinVar aggregate classification (germline): Uncertain significance (1 of 4 stars; one submission).

Submission:

GeneDx
Classification: Uncertain significance. Last evaluated: 2023-02-27. Review status: criteria provided, single submitter. Criteria: GeneDx Variant Classification Process June 2021. Collection method: clinical testing. Allele origin: germline.
Comment: Not observed at significant frequency in large population cohorts (gnomAD); Normal stop codon changed to a Serine codon, leading to the addition of 5 amino acids at the C-terminus; Has not been previously published as pathogenic or benign to our knowledge